The following is an entry in ClinVar:

ClinVar aggregate classification (germline): Uncertain significance (1 of 4 stars; one submission).

gnomAD v4.1: 1 of 1,613,900 alleles (0.000062%); highest among the groups gnomAD compares: Non-Finnish European, 0.000085%; no homozygotes.

Submission:

Labcorp Genetics (formerly Invitae), Labcorp
Classification: Uncertain significance. Last evaluated: 2025-02-19. Review status: criteria provided, single submitter. Criteria: Invitae Variant Classification Sherloc (09022015). Collection method: clinical testing. Allele origin: germline.
Comment: This sequence change replaces glutamic acid, which is acidic and polar, with glutamine, which is neutral and polar, at codon 138 of the CACNA1E protein (p.Glu138Gln). This variant is not present in population databases (gnomAD no frequency). This variant has not been reported in the literature in individuals affected with CACNA1E-related conditions. Invitae Evidence Modeling of protein sequence and biophysical properties (such as structural, functional, and spatial information, amino acid conservation, physicochemical variation, residue mobility, and thermodynamic stability) indicates that this missense variant is expected to disrupt CACNA1E protein function with a positive predictive value of 80%. In summary, the available evidence is currently insufficient to determine the role of this variant in disease. Therefore, it has been classified as a Variant of Uncertain Significance.

NM_001205293.3(CACNA1E):c.412G>C (p.Glu138Gln)

Gene: CACNA1E (calcium voltage-gated channel subunit alpha1 E; plus strand). Cytogenetic location: 1q25.3.
Variant type: single nucleotide variant.
Coding change: c.412G>C on transcript NM_001205293.3 (MANE Select); coding-DNA position 412, G replaced by C.
Protein change: p.Glu138Gln; replaces glutamic acid 138 with glutamine.
Molecular consequence: missense variant.
Genome position (GRCh38, 1-based): chr1:181,511,410, G>C. VCF-style: chr1-181511410-G-C. GRCh37 (hg19) VCF-style: chr1-181480546-G-C.
Other names: c.412G>C, p.Glu138Gln (NM_000721.4, NM_001205294.2); short protein forms E138Q.
Identifiers: ClinVar variation 4698591 (VCV004698591.1).